The following is an entry in ClinVar:

ClinVar aggregate classification (germline): Uncertain significance (1 of 4 stars; one submission).

Conditions:
Hereditary cancer-predisposing syndrome. Also called: Neoplastic Syndromes, Hereditary; Tumor predisposition; Hereditary Cancer Syndrome; Hereditary neoplastic syndrome. Identifiers: Orphanet 140162, MedGen C0027672, MeSH D009386, MONDO:0015356.

gnomAD v4.1: 1 of 1,614,234 alleles (0.000062%); highest among the groups gnomAD compares: Non-Finnish European, 0.000085%; no homozygotes.

Submission:

Ambry Genetics
Classification: Uncertain significance for Hereditary cancer-predisposing syndrome. Last evaluated: 2025-07-25. Review status: criteria provided, single submitter. Criteria: Ambry Variant Classification Scheme 2023. Collection method: clinical testing. Allele origin: germline.
Comment: The p.L1081P variant (also known as c.3242T>C), located in coding exon 21 of the TSC1 gene, results from a T to C substitution at nucleotide position 3242. The leucine at codon 1081 is replaced by proline, an amino acid with similar properties. This amino acid position is conserved. In addition, the in silico prediction for this alteration is inconclusive. Based on the available evidence, the clinical significance of this variant remains unclear.

NM_000368.5(TSC1):c.3242T>C (p.Leu1081Pro)

Gene: TSC1 (TSC complex subunit 1; minus strand). Cytogenetic location: 9q34.13.
Variant type: single nucleotide variant.
Coding change: c.3242T>C on transcript NM_000368.5 (MANE Select); coding-DNA position 3242, T replaced by C.
Protein change: p.Leu1081Pro; replaces leucine 1081 with proline.
Molecular consequence: missense variant. On other transcripts: non-coding transcript variant (5).
Genome position (GRCh38, 1-based): chr9:132,896,488, A>G on the plus strand (T>C on the coding strand, the complement: TSC1 is on the minus strand). VCF-style: chr9-132896488-A-G. GRCh37 (hg19) VCF-style: chr9-135771875-A-G.
Other names: c.2876T>C, p.Leu959Pro (NM_001406622.1, NM_001406623.1, NM_001406620.1 and 1 more transcripts); c.2837T>C, p.Leu946Pro (NM_001406624.1); c.2834T>C, p.Leu945Pro (NM_001406625.1); c.2291T>C, p.Leu764Pro (NM_001406626.1); c.2288T>C, p.Leu763Pro (NM_001406627.1, NM_001406628.1); c.2189T>C, p.Leu730Pro (NM_001406629.1, NM_001406630.1); c.3239T>C, p.Leu1080Pro (NM_001162426.2, NM_001406597.1, NM_001406598.1 and 2 more transcripts); c.3089T>C, p.Leu1030Pro (NM_001162427.2, NM_001406610.1); and 8 more; short protein forms L1066P, L1076P, L730P, L764P, L960P, L1030P, L1075P, L959P.
Identifiers: ClinVar variation 4192082 (VCV004192082.1).